The following is an entry in ClinVar:

ClinVar aggregate classification (germline): Benign/Likely benign. Review status: criteria provided, multiple submitters, no conflicts (2 of 4 stars). 2 submissions from 2 submitters: Benign (1); Likely benign (1). Last evaluated 2024-04-09.

Conditions:
Hereditary cancer-predisposing syndrome. Also called: Neoplastic Syndromes, Hereditary; Hereditary Cancer Syndrome; Tumor predisposition; Hereditary neoplastic syndrome. Identifiers: Orphanet 140162, MedGen C0027672, MeSH D009386, MONDO:0015356.
Familial adenomatous polyposis 1 (FAP1). Also called: FAMILIAL ADENOMATOUS POLYPOSIS 1, ATTENUATED; POLYPOSIS, ADENOMATOUS INTESTINAL. Identifiers: MedGen C2713442, MONDO:0021056, OMIM 175100. Disease mechanism: loss of function.

Submissions (2):

Myriad Genetics, Inc.
Classification: Benign for Familial adenomatous polyposis 1. Last evaluated: 2024-04-09. Review status: criteria provided, single submitter. Criteria: Myriad Autosomal Dominant, Autosomal Recessive and X-Linked Classification Criteria (2023). Collection method: clinical testing. Allele origin: unknown.
Comment: This variant is considered benign. This variant is a silent/synonymous amino acid change and it is not expected to impact splicing.

Color Diagnostics, LLC DBA Color Health
Classification: Likely benign for Hereditary cancer-predisposing syndrome. Last evaluated: 2020-01-02. Review status: criteria provided, single submitter. Criteria: ACMG Guidelines, 2015. Collection method: clinical testing. Allele origin: germline.

NM_000038.6(APC):c.7185G>A (p.Glu2395=)

Gene: APC (APC regulator of Wnt signaling pathway; plus strand). Cytogenetic location: 5q22.2.
Variant type: single nucleotide variant.
Coding change: c.7185G>A on transcript NM_000038.6 (MANE Select); coding-DNA position 7185, G replaced by A.
Protein change: p.Glu2395=; no amino-acid change (glutamic acid 2395 retained).
Molecular consequence: synonymous variant.
Genome position (GRCh38, 1-based): chr5:112,842,779, G>A. VCF-style: chr5-112842779-G-A. GRCh37 (hg19) VCF-style: chr5-112178476-G-A.
Other names: c.7185G>A, p.Glu2395= (NM_001127510.3, NM_001354895.2); c.7131G>A, p.Glu2377= (NM_001127511.3); c.7239G>A, p.Glu2413= (NM_001354896.2); c.7215G>A, p.Glu2405= (NM_001354897.2); c.7110G>A, p.Glu2370= (NM_001354898.2); c.7101G>A, p.Glu2367= (NM_001354899.2); c.7062G>A, p.Glu2354= (NM_001354900.2); c.7008G>A, p.Glu2336= (NM_001354901.2); and 5 more.
Identifiers: ClinVar variation 927255 (VCV000927255.3), dbSNP rs1766403791, ClinGen allele CA446210181.